The following is an entry in ClinVar:

NM_004336.5(BUB1):c.269A>G (p.Tyr90Cys)

Gene: BUB1 (BUB1 mitotic checkpoint serine/threonine kinase; minus strand). Cytogenetic location: 2q13.
Variant type: single nucleotide variant.
Coding change: c.269A>G on transcript NM_004336.5 (MANE Select); coding-DNA position 269, A replaced by G.
Protein change: p.Tyr90Cys; replaces tyrosine 90 with cysteine.
Molecular consequence: missense variant.
Genome position (GRCh38, 1-based): chr2:110,672,814, T>C on the plus strand (A>G on the coding strand, the complement: BUB1 is on the minus strand). VCF-style: chr2-110672814-T-C. GRCh37 (hg19) VCF-style: chr2-111430391-T-C.
Other names: c.209A>G, p.Tyr70Cys (NM_001278616.2); c.269A>G, p.Tyr90Cys (NM_001278617.2); short protein forms Y90C, Y70C.
Identifiers: ClinVar variation 1794875 (VCV001794875.3), dbSNP rs2468036072, ClinGen allele CA348220658.

ClinVar aggregate classification (germline): Uncertain significance (1 of 4 stars; one submission).

Allele frequency attached by ClinVar (database versions not stated): gnomAD exomes below 0.00001.
gnomAD v4.1: 1 of 1,609,976 alleles (0.000062%); highest among the groups gnomAD compares: Non-Finnish European, 0.000085%; no homozygotes.

Submission:

Ambry Genetics
Classification: Uncertain significance. Last evaluated: 2024-07-08. Review status: criteria provided, single submitter. Criteria: Ambry Variant Classification Scheme 2023. Collection method: clinical testing. Allele origin: germline.
Comment: The p.Y90C variant (also known as c.269A>G), located in coding exon 4 of the BUB1 gene, results from an A to G substitution at nucleotide position 269. The tyrosine at codon 90 is replaced by cysteine, an amino acid with highly dissimilar properties. This amino acid position is conserved. In addition, the in silico prediction for this alteration is inconclusive. Since supporting evidence is limited at this time, the clinical significance of this alteration remains unclear.